The following is an entry in ClinVar:

ClinVar aggregate classification (germline): Benign/Likely benign. Review status: criteria provided, multiple submitters, no conflicts (2 of 4 stars). 16 submissions from 16 submitters: Benign (7); Likely benign (4). 5 of the submissions do not count toward it. Last evaluated 2026-09-01.

Conditions:
Mitochondrial DNA depletion syndrome 3 (hepatocerebral type). Also called: MITOCHONDRIAL DNA DEPLETION SYNDROME 3; Deoxyguanosine Kinase Deficiency; Mitochondrial DNA depletion syndrome, hepatocerebral form due to DGUOK deficiency. Identifiers: Orphanet 279934, MedGen CN074093, MONDO:0009636, OMIM 251880.
Progressive external ophthalmoplegia with mitochondrial DNA deletions, autosomal recessive 4. Also called: PROGRESSIVE EXTERNAL OPHTHALMOPLEGIA, AUTOSOMAL RECESSIVE 4; Adult-onset multiple mitochondrial DNA deletion syndrome due to DGUOK deficiency. Identifiers: Orphanet 329314, MedGen C4310733, MONDO:0014899, OMIM 617070.
Portal hypertension, noncirrhotic, 1 (NCPH1). Identifiers: MedGen CN305369, MONDO:8000013, OMIM 617068.

Allele frequency attached by ClinVar (database versions not stated): 1000 Genomes Project 0.00919; 1000 Genomes Project 30x 0.00953; TOPMed 0.01383; gnomAD 0.01453 and 0.01472; gnomAD exomes 0.01494 and 0.01964; ExAC 0.01530; ESP Exome Variant Server 0.01668.
gnomAD v4.1: 30,794 of 1,614,182 alleles (1.9%); highest among the groups gnomAD compares: Non-Finnish European, 2.2%; 361 homozygotes.

Submissions (16):

CeGaT Center for Human Genetics Tuebingen
Classification: Benign. Last evaluated: 2026-09-01. Review status: criteria provided, single submitter. Criteria: CeGaT Center For Human Genetics Tuebingen Variant Classification Criteria Version 2. Collection method: clinical testing. Allele origin: germline. Affected: yes. Observed: 81 variant alleles.
Comment: DGUOK: BS1, BS2

Labcorp Genetics (formerly Invitae), Labcorp
Classification: Benign. Last evaluated: 2026-02-04. Review status: criteria provided, single submitter. Criteria: Invitae Variant Classification Sherloc (09022015). Collection method: clinical testing. Allele origin: germline.

Blueprint Genetics
Classification: Likely benign. Last evaluated: 2024-11-26. Review status: criteria provided, single submitter. Criteria: ACMG Guidelines, 2015. Collection method: clinical testing. Allele origin: germline.

Molecular Genetics, Royal Melbourne Hospital
Classification: Benign for Mitochondrial DNA depletion syndrome 3 (hepatocerebral type). Last evaluated: 2024-05-02. Review status: criteria provided, single submitter. Criteria: ACMG Guidelines, 2015. Collection method: clinical testing. Allele origin: germline. Inheritance: Autosomal recessive inheritance. Affected: no.

ARUP Laboratories, Molecular Genetics and Genomics, ARUP Laboratories
Classification: Benign. Last evaluated: 2023-10-26. Review status: criteria provided, single submitter. Criteria: ARUP Molecular Germline Variant Investigation Process 2024. Collection method: clinical testing. Allele origin: germline.

Fulgent Genetics
Classification: Likely benign for Mitochondrial DNA depletion syndrome 3 (hepatocerebral type); Portal hypertension, noncirrhotic, 1; Progressive external ophthalmoplegia with mitochondrial DNA deletions, autosomal recessive 4. Last evaluated: 2022-02-22. Review status: criteria provided, single submitter. Criteria: ACMG Guidelines, 2015. Collection method: clinical testing. Allele origin: unknown.

Illumina Laboratory Services, Illumina
Classification: Likely benign for Mitochondrial DNA depletion syndrome 3 (hepatocerebral type). Last evaluated: 2017-04-27. Review status: criteria provided, single submitter. Criteria: ICSL Variant Classification Criteria 13 December 2019. Collection method: clinical testing. Allele origin: germline.
Comment: This variant was observed as part of a predisposition screen in an ostensibly healthy population. A literature search was performed for the gene, cDNA change, and amino acid change (where applicable). Publications were found based on this search. The evidence from the literature, in combination with allele frequency data from public databases where available, was sufficient to determine this variant is unlikely to cause disease. Therefore, this variant is classified as likely benign.

Eurofins Ntd Llc (ga)
Classification: Benign. Last evaluated: 2016-05-19. Review status: criteria provided, single submitter. Criteria: EGL Classification Definitions 2015. Collection method: clinical testing. Allele origin: germline. Observed: 1 variant allele, 1 heterozygote.

GeneDx
Classification: Benign. Last evaluated: 2011-09-20. Review status: criteria provided, single submitter. Criteria: GeneDx Variant Classification (06012015). Collection method: clinical testing. Allele origin: germline. Affected: yes.
Comment: This variant is considered likely benign or benign based on one or more of the following criteria: it is a conservative change, it occurs at a poorly conserved position in the protein, it is predicted to be benign by multiple in silico algorithms, and/or has population frequency not consistent with disease.

Breakthrough Genomics
Classification: Likely benign. Review status: criteria provided, single submitter. Criteria: ACMG Guidelines, 2015. Collection method: not provided. Allele origin: germline. Inheritance: Autosomal recessive inheritance. Affected: yes.

PreventionGenetics, part of Exact Sciences
Classification: Benign. Review status: criteria provided, single submitter. Criteria: ACMG Guidelines, 2015. Collection method: clinical testing. Allele origin: germline.

OMIM
Classification: Pathogenic for PROGRESSIVE EXTERNAL OPHTHALMOPLEGIA WITH MITOCHONDRIAL DNA DELETIONS, AUTOSOMAL RECESSIVE 4. Last evaluated: 2016-08-18. Review status: no assertion criteria provided. Collection method: literature only. Allele origin: germline. Not counted in ClinVar's aggregate classification.

Mayo Clinic Laboratories, Mayo Clinic
Classification: Uncertain significance. Last evaluated: 2016-02-23. Review status: no assertion criteria provided. Collection method: clinical testing. Allele origin: unknown. Not counted in ClinVar's aggregate classification.

Clinical Genetics, Academic Medical Center
Classification: Likely benign. Review status: no assertion criteria provided. Collection method: clinical testing. Allele origin: germline. Affected: yes. Study: VKGL Data-share Consensus. Not counted in ClinVar's aggregate classification.

Diagnostic Laboratory, Department of Genetics, University Medical Center Groningen
Classification: Benign. Review status: no assertion criteria provided. Collection method: clinical testing. Allele origin: germline. Affected: yes. Study: VKGL Data-share Consensus. Not counted in ClinVar's aggregate classification.

Genome Diagnostics Laboratory, University Medical Center Utrecht
Classification: Likely benign. Review status: no assertion criteria provided. Collection method: clinical testing. Allele origin: germline. Affected: yes. Study: VKGL Data-share Consensus. Not counted in ClinVar's aggregate classification.

Literature cited by the submitters: PubMed 23043144 (cited by Illumina Laboratory Services, Illumina and OMIM); PubMed 16908739 (cited by Illumina Laboratory Services, Illumina).

NM_080916.3(DGUOK):c.509A>G (p.Gln170Arg)

Gene: DGUOK (deoxyguanosine kinase; plus strand). Cytogenetic location: 2p13.1.
Variant type: single nucleotide variant.
Coding change: c.509A>G on transcript NM_080916.3 (MANE Select); coding-DNA position 509, A replaced by G.
Protein change: p.Gln170Arg; replaces glutamine 170 with arginine.
Molecular consequence: missense variant. On other transcripts: non-coding transcript variant (2), intron variant (2).
Genome position (GRCh38, 1-based): chr2:73,950,650, A>G. VCF-style: chr2-73950650-A-G. GRCh37 (hg19) VCF-style: chr2-74177777-A-G.
Other names: p.Q170R:CAG>CGG; c.218A>G, p.Gln73Arg (NM_001318860.2, NM_001318861.2); c.200A>G, p.Gln67Arg (NM_001318862.2, NM_001318863.2); c.443+3744A>G (NM_080918.3); c.425+3762A>G (NM_001318859.2); short protein forms Q170R, Q67R, Q73R.
Identifiers: ClinVar variation 137082 (VCV000137082.64), dbSNP rs74874677, ClinGen allele CA290586.